The following is an entry in ClinVar:

ClinVar aggregate classification (germline): Likely pathogenic (1 of 4 stars; one submission).

Submission:

Mayo Clinic Laboratories, Mayo Clinic
Classification: Likely pathogenic. Last evaluated: 2025-09-26. Review status: criteria provided, single submitter. Criteria: ACMG Guidelines, 2015. Collection method: clinical testing. Allele origin: germline. Observed: 1 variant allele.
Comment: PM2_supporting, PVS1

NM_153240.5(NPHP3):c.1937dup (p.Arg647fs)

Genes: NPHP3 (nephrocystin 3; minus strand), NPHP3-ACAD11 (NPHP3-ACAD11 readthrough (NMD candidate); minus strand). Cytogenetic location: 3q22.1.
Variant type: Duplication.
Coding change: c.1937dup on transcript NM_153240.5 (MANE Select); coding-DNA position 1937, one base duplicated (T; older notation c.1937dupT).
Protein change: p.Arg647fs; shifts the reading frame from arginine 647.
Molecular consequence: frameshift variant.
Genome position (GRCh38, 1-based): chr3:132,699,401, A duplicated on the plus strand (T on the coding strand, the reverse complement: NPHP3 is on the minus strand). VCF-style (leftmost placement, unchanged base first): chr3-132699400-T-TA. GRCh37 (hg19) VCF-style: chr3-132418244-T-TA.
Other names: p.Arg647Lysfs*24; short protein forms R647fs.
Identifiers: ClinVar variation 4540926 (VCV004540926.1).